The following is an entry in ClinVar:

NM_006009.4(TUBA1A):c.1129A>G (p.Met377Val)

Gene: TUBA1A (tubulin alpha 1a; minus strand). Cytogenetic location: 12q13.12.
Variant type: single nucleotide variant.
Coding change: c.1129A>G on transcript NM_006009.4 (MANE Select); coding-DNA position 1129, A replaced by G.
Protein change: p.Met377Val; replaces methionine 377 with valine.
Molecular consequence: missense variant.
Genome position (GRCh38, 1-based): chr12:49,185,237, T>C on the plus strand (A>G on the coding strand, the complement: TUBA1A is on the minus strand). VCF-style: chr12-49185237-T-C. GRCh37 (hg19) VCF-style: chr12-49579020-T-C.
Other names: c.1129A>G, p.Met377Val (NM_001270399.2); c.1024A>G, p.Met342Val (NM_001270400.2); short protein forms M377V, M342V.
Identifiers: ClinVar variation 160142 (VCV000160142.7), dbSNP rs587784481, ClinGen allele CA213252.

ClinVar aggregate classification (germline): Likely pathogenic. Review status: criteria provided, multiple submitters, no conflicts (2 of 4 stars). 2 submissions from 2 submitters: Likely pathogenic (2). Last evaluated 2018-07-01.

Conditions:
Tubulinopathy. Also called: Tubulinopathies. Identifiers: MedGen CN850169, MONDO:0100153.
Lissencephaly due to TUBA1A mutation (CDCBM16). Also called: CORTICAL DYSPLASIA, COMPLEX, WITH OTHER BRAIN MALFORMATIONS 16; Lissencephaly 3. Identifiers: Orphanet 171680, MedGen C4305153, MONDO:0012703, OMIM 611603.

Submissions (2):

Institute of Human Genetics, FAU Erlangen, Friedrich-Alexander-Universität Erlangen-Nürnberg
Classification: Likely pathogenic for Tubulinopathies. Last evaluated: 2018-07-01. Review status: criteria provided, single submitter. Criteria: ACMG Guidelines, 2015. Collection method: literature only. Allele origin: germline. Affected: yes. Observed: 1 variant allele.
Comment: The c.1129A>G, p.(Met377Val) variant has been reported as a variant of germline/unknown origin.

Genetic Services Laboratory, University of Chicago
Classification: Likely pathogenic for Lissencephaly 3. Last evaluated: 2013-02-08. Review status: criteria provided, single submitter. Criteria: ACMG Guidelines, 2007. Collection method: clinical testing. Allele origin: germline. Inheritance: Autosomal dominant inheritance. Affected: yes.

Literature cited by the submitters: PubMed 30744660 (cited by Institute of Human Genetics, FAU Erlangen, Friedrich-Alexander-Universität Erlangen-Nürnberg); DOI 10.1101/427948 (cited by Institute of Human Genetics, FAU Erlangen, Friedrich-Alexander-Universität Erlangen-Nürnberg).